The following is an entry in ClinVar:

NM_004204.5(PIGQ):c.211C>T (p.Gln71Ter)

Gene: PIGQ (phosphatidylinositol glycan anchor biosynthesis class Q; plus strand). Cytogenetic location: 16p13.3.
Variant type: single nucleotide variant.
Coding change: c.211C>T on transcript NM_004204.5 (MANE Select); coding-DNA position 211, C replaced by T.
Protein change: p.Gln71Ter; replaces glutamine 71 with a stop codon.
Molecular consequence: nonsense.
Genome position (GRCh38, 1-based): chr16:574,285, C>T. VCF-style: chr16-574285-C-T. GRCh37 (hg19) VCF-style: chr16-624285-C-T.
Other names: c.211C>T, p.Gln71Ter (NM_148920.4); short protein forms Q71*.
Identifiers: ClinVar variation 1070292 (VCV001070292.7), dbSNP rs1341033162, ClinGen allele CA394046782.

ClinVar aggregate classification (germline): Pathogenic (1 of 4 stars; one submission).

Conditions:
Epilepsy. Also called: Seizure disorder. Identifiers: MedGen C0014544, MeSH D004827, MONDO:0005027.

Allele frequency attached by ClinVar (database versions not stated): TOPMed 0.00002; gnomAD exomes 0.00001.

Submission:

Labcorp Genetics (formerly Invitae), Labcorp
Classification: Pathogenic for Epilepsy. Last evaluated: 2025-08-22. Review status: criteria provided, single submitter. Criteria: Invitae Variant Classification Sherloc (09022015). Collection method: clinical testing. Allele origin: germline.
Comment: This sequence change creates a premature translational stop signal (p.Gln71*) in the PIGQ gene. It is expected to result in an absent or disrupted protein product. Loss-of-function variants in PIGQ are known to be pathogenic (PMID: 24463883, 25558065). This variant is not present in population databases (gnomAD no frequency). This variant has not been reported in the literature in individuals affected with PIGQ-related conditions. ClinVar contains an entry for this variant (Variation ID: 1070292). For these reasons, this variant has been classified as Pathogenic.

Literature cited by the submitters: PubMed 24463883; PubMed 25558065.